The following is an entry in ClinVar:

ClinVar aggregate classification (germline): Conflicting classifications of pathogenicity. Review status: criteria provided, conflicting classifications (1 of 4 stars). 3 submissions from 3 submitters: Uncertain significance (2); Likely benign (1). Last evaluated 2026-01-16.

Conditions:
Cardiovascular phenotype. Identifiers: MedGen CN230736.
Hereditary cancer-predisposing syndrome. Also called: Tumor predisposition; Hereditary neoplastic syndrome; Hereditary Cancer Syndrome; Neoplastic Syndromes, Hereditary. Identifiers: Orphanet 140162, MedGen C0027672, MeSH D009386, MONDO:0015356.
LZTR1-related schwannomatosis. Also called: Schwannomatosis 2; Schwannomatosis-2, susceptibility to. Identifiers: Orphanet 93921, MedGen C3810283, MONDO:0014299, OMIM 615670.

Allele frequency attached by ClinVar (database versions not stated): ExAC below 0.00001; gnomAD exomes 0.00001 and 0.00006; gnomAD 0.00004; TOPMed 0.00006.
gnomAD v4.1: 15 of 1,549,684 alleles (0.00097%); highest among the groups gnomAD compares: East Asian, 0.034%; no homozygotes.

Submissions (3):

Labcorp Genetics (formerly Invitae), Labcorp
Classification: Uncertain significance. Last evaluated: 2026-01-16. Review status: criteria provided, single submitter. Criteria: Invitae Variant Classification Sherloc (09022015). Collection method: clinical testing. Allele origin: germline.
Comment: This sequence change replaces serine, which is neutral and polar, with arginine, which is basic and polar, at codon 327 of the LZTR1 protein (p.Ser327Arg). This variant is present in population databases (rs778587887, gnomAD 0.1%). This variant has not been reported in the literature in individuals affected with LZTR1-related conditions. ClinVar contains an entry for this variant (Variation ID: 936343). Invitae Evidence Modeling of protein sequence and biophysical properties (such as structural, functional, and spatial information, amino acid conservation, physicochemical variation, residue mobility, and thermodynamic stability) indicates that this missense variant is not expected to disrupt LZTR1 protein function with a negative predictive value of 80%. In summary, the available evidence is currently insufficient to determine the role of this variant in disease. Therefore, it has been classified as a Variant of Uncertain Significance.

Baylor Genetics
Classification: Uncertain significance for LZTR1-related schwannomatosis. Last evaluated: 2024-02-06. Review status: criteria provided, single submitter. Criteria: ACMG Guidelines, 2015. Collection method: clinical testing. Allele origin: unknown.

Ambry Genetics
Classification: Likely benign for Cardiovascular phenotype; Hereditary cancer-predisposing syndrome. Last evaluated: 2022-08-03. Review status: criteria provided, single submitter. Criteria: Ambry Variant Classification Scheme 2023. Collection method: clinical testing. Allele origin: germline.

NM_006767.4(LZTR1):c.981C>G (p.Ser327Arg)

Gene: LZTR1 (leucine zipper like post translational regulator 1; plus strand). Cytogenetic location: 22q11.21.
Variant type: single nucleotide variant.
Coding change: c.981C>G on transcript NM_006767.4 (MANE Select); coding-DNA position 981, C replaced by G.
Protein change: p.Ser327Arg; replaces serine 327 with arginine.
Molecular consequence: missense variant.
Genome position (GRCh38, 1-based): chr22:20,991,817, C>G. VCF-style: chr22-20991817-C-G. GRCh37 (hg19) VCF-style: chr22-21346106-C-G.
Other names: short protein forms S327R.
Identifiers: ClinVar variation 936343 (VCV000936343.13), dbSNP rs778587887, ClinGen allele CA10118673.